The following is an entry in ClinVar:

NM_004936.4(CDKN2B):c.60C>T (p.Ser20=)

Genes: CDKN2B (cyclin dependent kinase inhibitor 2B; minus strand), CDKN2B-AS1 (CDKN2B and CDKN2A antisense cis and trans regulatory RNA 1; plus strand). Cytogenetic location: 9p21.3.
Variant type: single nucleotide variant.
Coding change: c.60C>T on transcript NM_004936.4 (MANE Select); coding-DNA position 60, C replaced by T.
Protein change: p.Ser20=; no amino-acid change (serine 20 retained).
Molecular consequence: synonymous variant.
Genome position (GRCh38, 1-based): chr9:22,008,894, G>A on the plus strand (C>T on the coding strand, the complement: CDKN2B is on the minus strand). VCF-style: chr9-22008894-G-A. GRCh37 (hg19) VCF-style: chr9-22008893-G-A.
Other names: c.60C>T, p.Ser20= (NM_078487.2).
Identifiers: ClinVar variation 4875071 (VCV004875071.2).

ClinVar aggregate classification (germline): Likely benign (1 of 4 stars; one submission).

Submission:

CeGaT Center for Human Genetics Tuebingen
Classification: Likely benign. Last evaluated: 2026-06-01. Review status: criteria provided, single submitter. Criteria: CeGaT Center For Human Genetics Tuebingen Variant Classification Criteria Version 2. Collection method: clinical testing. Allele origin: germline. Affected: yes. Observed: 1 variant allele.
Comment: CDKN2B: PM2:Supporting, BP4, BP7